The following is an entry in ClinVar:

ClinVar aggregate classification (germline): Uncertain significance. Review status: criteria provided, single submitter (1 of 4 stars). 2 submissions from 2 submitters: Uncertain significance (1). 1 of the submissions does not count toward it. Last evaluated 2024-11-18.

Conditions:
Congenital myotonia, autosomal recessive form. Also called: BECKER DISEASE; Becker Generalized Myotonia; myotonia congenita, autosomal recessive. Identifiers: Orphanet 614, MedGen C0751360, MONDO:0009715, OMIM 255700.
Congenital myotonia, autosomal dominant form (THD). Also called: THOMSEN DISEASE; Myotonia congenita autosomal dominant. Identifiers: Orphanet 614, MedGen C2936781, MONDO:0008055, OMIM 160800.
CLCN1-related disorder. Also called: CLCN1-related condition.

Allele frequency attached by ClinVar (database versions not stated): gnomAD exomes 0.00002; ExAC 0.00003; TOPMed 0.00004; gnomAD 0.00006; ESP Exome Variant Server 0.00008; 1000 Genomes Project 30x 0.00016; 1000 Genomes Project 0.00020.
gnomAD v4.1: 45 of 1,614,068 alleles (0.0028%); highest among the groups gnomAD compares: South Asian, 0.012%; no homozygotes.

Submissions (2):

Labcorp Genetics (formerly Invitae), Labcorp
Classification: Uncertain significance for Congenital myotonia, autosomal recessive form; Congenital myotonia, autosomal dominant form. Last evaluated: 2024-11-18. Review status: criteria provided, single submitter. Criteria: Invitae Variant Classification Sherloc (09022015). Collection method: clinical testing. Allele origin: germline.
Comment: This sequence change replaces arginine, which is basic and polar, with glutamine, which is neutral and polar, at codon 377 of the CLCN1 protein (p.Arg377Gln). This variant is present in population databases (rs148702833, gnomAD 0.01%). This variant has not been reported in the literature in individuals affected with CLCN1-related conditions. ClinVar contains an entry for this variant (Variation ID: 2061722). Invitae Evidence Modeling of protein sequence and biophysical properties (such as structural, functional, and spatial information, amino acid conservation, physicochemical variation, residue mobility, and thermodynamic stability) indicates that this missense variant is expected to disrupt CLCN1 protein function with a positive predictive value of 95%. Algorithms developed to predict the effect of sequence changes on RNA splicing suggest that this variant may disrupt the consensus splice site. In summary, the available evidence is currently insufficient to determine the role of this variant in disease. Therefore, it has been classified as a Variant of Uncertain Significance.

PreventionGenetics, part of Exact Sciences
Classification: Uncertain significance for CLCN1-related condition. Last evaluated: 2024-09-04. Review status: no assertion criteria provided. Collection method: clinical testing. Allele origin: germline. Not counted in ClinVar's aggregate classification.
Comment: The CLCN1 c.1130G>A variant is predicted to result in the amino acid substitution p.Arg377Gln. To our knowledge, this variant has not been reported in the literature. This variant is reported in 0.010% of alleles in individuals of East Asian descent in gnomAD. At this time, the clinical significance of this variant is uncertain due to the absence of conclusive functional and genetic evidence.

NM_000083.3(CLCN1):c.1130G>A (p.Arg377Gln)

Gene: CLCN1 (chloride voltage-gated channel 1; plus strand). Cytogenetic location: 7q34.
Variant type: single nucleotide variant.
Coding change: c.1130G>A on transcript NM_000083.3 (MANE Select); coding-DNA position 1130, G replaced by A.
Protein change: p.Arg377Gln; replaces arginine 377 with glutamine.
Molecular consequence: missense variant. On other transcripts: non-coding transcript variant (1).
Genome position (GRCh38, 1-based): chr7:143,331,616, G>A. VCF-style: chr7-143331616-G-A. GRCh37 (hg19) VCF-style: chr7-143028709-G-A.
Other names: c.1130G>A (NM_000083.2); short protein forms R377Q.
Identifiers: ClinVar variation 2061722 (VCV002061722.3), dbSNP rs148702833, ClinGen allele CA4537247.